The following is an entry in ClinVar:

ClinVar aggregate classification (germline): Uncertain significance. Review status: criteria provided, multiple submitters, no conflicts (2 of 4 stars). 2 submissions from 2 submitters: Uncertain significance (2). Last evaluated 2024-09-23.

Allele frequency attached by ClinVar (database versions not stated): ExAC 0.00007; 1000 Genomes Project 30x 0.00016.
gnomAD v4.1: 31 of 1,613,926 alleles (0.0019%); highest among the groups gnomAD compares: Admixed American, 0.0033%; no homozygotes.

Submissions (2):

Blueprint Genetics
Classification: Uncertain significance. Last evaluated: 2024-09-23. Review status: criteria provided, single submitter. Criteria: ACMG Guidelines, 2015. Collection method: clinical testing. Allele origin: germline.

Labcorp Genetics (formerly Invitae), Labcorp
Classification: Uncertain significance. Last evaluated: 2021-09-17. Review status: criteria provided, single submitter. Criteria: Invitae Variant Classification Sherloc (09022015). Collection method: clinical testing. Allele origin: germline.
Comment: This sequence change replaces arginine with cysteine at codon 213 of the FAM161A protein (p.Arg213Cys). The arginine residue is moderately conserved and there is a large physicochemical difference between arginine and cysteine. This variant is present in population databases (rs774563563, ExAC 0.01%). This variant has not been reported in the literature in individuals with FAM161A-related conditions. Algorithms developed to predict the effect of missense changes on protein structure and function are either unavailable or do not agree on the potential impact of this missense change (SIFT: "Deleterious"; PolyPhen-2: "Possibly Damaging"; Align-GVGD: "Class C15"). In summary, the available evidence is currently insufficient to determine the role of this variant in disease. Therefore, it has been classified as a Variant of Uncertain Significance.

NM_001201543.2(FAM161A):c.637C>T (p.Arg213Cys)

Gene: FAM161A (FAM161 centrosomal protein A; minus strand). Cytogenetic location: 2p15.
Variant type: single nucleotide variant.
Coding change: c.637C>T on transcript NM_001201543.2 (MANE Select); coding-DNA position 637, C replaced by T.
Protein change: p.Arg213Cys; replaces arginine 213 with cysteine.
Molecular consequence: missense variant. On other transcripts: non-coding transcript variant (1).
Genome position (GRCh38, 1-based): chr2:61,840,367, G>A on the plus strand (C>T on the coding strand, the complement: FAM161A is on the minus strand). VCF-style: chr2-61840367-G-A. GRCh37 (hg19) VCF-style: chr2-62067502-G-A.
Other names: c.637C>T, p.Arg213Cys (NM_032180.3); short protein forms R213C.
Identifiers: ClinVar variation 2148705 (VCV002148705.2), dbSNP rs774563563, ClinGen allele CA1679312.